The following is an entry in ClinVar:

NM_003504.5(CDC45):c.419A>T (p.Asp140Val)

Gene: CDC45 (cell division cycle 45; plus strand). Cytogenetic location: 22q11.21.
Variant type: single nucleotide variant.
Coding change: c.419A>T on transcript NM_003504.5 (MANE Select); coding-DNA position 419, A replaced by T.
Protein change: p.Asp140Val; replaces aspartic acid 140 with valine.
Molecular consequence: missense variant. On other transcripts: non-coding transcript variant (1).
Genome position (GRCh38, 1-based): chr22:19,483,938, A>T. VCF-style: chr22-19483938-A-T. GRCh37 (hg19) VCF-style: chr22-19471461-A-T.
Other names: c.419A>T, p.Asp140Val (NM_001178010.2); c.281A>T, p.Asp94Val (NM_001178011.2); c.383A>T, p.Asp128Val (NM_001369291.1); short protein forms D128V, D94V, D140V.
Identifiers: ClinVar variation 1506717 (VCV001506717.8), dbSNP rs766316844, ClinGen allele CA10101040.

ClinVar aggregate classification (germline): Uncertain significance (1 of 4 stars; one submission).

Allele frequency attached by ClinVar (database versions not stated): gnomAD exomes below 0.00001 and 0.00001; TOPMed below 0.00001; ExAC 0.00002.
gnomAD v4.1: 1 of 1,613,938 alleles (0.000062%); highest among the groups gnomAD compares: Admixed American, 0.0017%; no homozygotes.

Submission:

Labcorp Genetics (formerly Invitae), Labcorp
Classification: Uncertain significance. Last evaluated: 2021-02-06. Review status: criteria provided, single submitter. Criteria: Invitae Variant Classification Sherloc (09022015). Collection method: clinical testing. Allele origin: germline.
Comment: In summary, the available evidence is currently insufficient to determine the role of this variant in disease. Therefore, it has been classified as a Variant of Uncertain Significance. Algorithms developed to predict the effect of missense changes on protein structure and function are either unavailable or do not agree on the potential impact of this missense change (SIFT: "Deleterious"; PolyPhen-2: "Benign"; Align-GVGD: "Class C35"). This variant has not been reported in the literature in individuals with CDC45-related conditions. This variant is present in population databases (rs766316844, ExAC 0.009%). This sequence change replaces aspartic acid with valine at codon 140 of the CDC45 protein (p.Asp140Val). The aspartic acid residue is moderately conserved and there is a large physicochemical difference between aspartic acid and valine.